The following is an entry in ClinVar:

NM_001999.4(FBN2):c.8143G>A (p.Gly2715Arg)

Gene: FBN2 (fibrillin 2; minus strand). Cytogenetic location: 5q23.3.
Variant type: single nucleotide variant.
Coding change: c.8143G>A on transcript NM_001999.4 (MANE Select); coding-DNA position 8143, G replaced by A.
Protein change: p.Gly2715Arg; replaces glycine 2715 with arginine.
Molecular consequence: missense variant.
Genome position (GRCh38, 1-based): chr5:128,263,474, C>T on the plus strand (G>A on the coding strand, the complement: FBN2 is on the minus strand). VCF-style: chr5-128263474-C-T. GRCh37 (hg19) VCF-style: chr5-127599166-C-T.
Other names: short protein forms G2715R.
Identifiers: ClinVar variation 1309564 (VCV001309564.6), dbSNP rs772569905, ClinGen allele CA3393910.

ClinVar aggregate classification (germline): Conflicting classifications of pathogenicity. Review status: criteria provided, conflicting classifications (1 of 4 stars). 3 submissions from 3 submitters: Uncertain significance (2); Likely benign (1). Last evaluated 2025-11-06.

Conditions:
Congenital contractural arachnodactyly (CCA). Also called: Arthrogryposis, distal, type 9; Beals-Hecht syndrome; BEALS SYNDROME. Identifiers: Orphanet 115, MedGen C0220668, MONDO:0007363, OMIM 121050.

gnomAD v4.1: 8 of 1,614,100 alleles (0.0005%); highest among the groups gnomAD compares: Admixed American, 0.005%; no homozygotes.

Submissions (3):

Labcorp Genetics (formerly Invitae), Labcorp
Classification: Likely benign for Congenital contractural arachnodactyly. Last evaluated: 2025-11-06. Review status: criteria provided, single submitter. Criteria: Invitae Variant Classification Sherloc (09022015). Collection method: clinical testing. Allele origin: germline.

Blueprint Genetics
Classification: Uncertain significance. Last evaluated: 2023-09-14. Review status: criteria provided, single submitter. Criteria: ACMG Guidelines, 2015. Collection method: clinical testing. Allele origin: germline.

GeneDx
Classification: Uncertain significance. Last evaluated: 2019-10-21. Review status: criteria provided, single submitter. Criteria: GeneDx Variant Classification Process June 2021. Collection method: clinical testing. Allele origin: germline. Affected: yes.
Comment: Has not been previously published as pathogenic or benign to our knowledge; Not observed at a significant frequency in large population cohorts (Lek et al., 2016); In silico analysis, which includes protein predictors and evolutionary conservation, supports a deleterious effect; Although located in a calcium-binding EGF-like domain of the FBN2 gene, it does not affect a cysteine residue within this domain; cysteine substitutions in the calcium-binding EGF-like domains represent the majority of pathogenic missense changes associated with FBN2 related disorders (Collod-Beroud et al., 2003; Frederic et al., 2009)